The following is an entry in ClinVar:

ClinVar aggregate classification (germline): Conflicting classifications of pathogenicity. Review status: criteria provided, conflicting classifications (1 of 4 stars). 5 submissions from 5 submitters: Uncertain significance (3); Benign (1); Likely benign (1). Last evaluated 2025-10-07.

Conditions:
Primary ciliary dyskinesia. Also called: Ciliary dyskinesia. Identifiers: Orphanet 244, MedGen C0008780, MONDO:0016575, HP:0012265.
Primary ciliary dyskinesia 7. Also called: CILIARY DYSKINESIA, PRIMARY, 7, WITH OR WITHOUT SITUS INVERSUS. Identifiers: Orphanet 244, MedGen C2678473, MONDO:0012748, OMIM 611884.

Allele frequency attached by ClinVar (database versions not stated): gnomAD exomes 0.00010; ExAC 0.00027; gnomAD 0.00044 and 0.00049; TOPMed 0.00047; ESP Exome Variant Server 0.00059.

Submissions (5):

Labcorp Genetics (formerly Invitae), Labcorp
Classification: Benign for Primary ciliary dyskinesia. Last evaluated: 2025-10-07. Review status: criteria provided, single submitter. Criteria: Invitae Variant Classification Sherloc (09022015). Collection method: clinical testing. Allele origin: germline.

Ambry Genetics
Classification: Likely benign for Primary ciliary dyskinesia. Last evaluated: 2024-12-31. Review status: criteria provided, single submitter. Criteria: Ambry Variant Classification Scheme 2023. Collection method: clinical testing. Allele origin: germline.

Blueprint Genetics
Classification: Uncertain significance. Last evaluated: 2024-09-23. Review status: criteria provided, single submitter. Criteria: ACMG Guidelines, 2015. Collection method: clinical testing. Allele origin: germline.

GeneDx
Classification: Uncertain significance. Last evaluated: 2024-06-08. Review status: criteria provided, single submitter. Criteria: GeneDx Variant Classification Process June 2021. Collection method: clinical testing. Allele origin: germline. Affected: yes.
Comment: In silico analysis indicates that this missense variant does not alter protein structure/function; Has not been previously published as pathogenic or benign to our knowledge

Revvity Omics, Revvity
Classification: Uncertain significance for Primary ciliary dyskinesia 7. Last evaluated: 2021-12-07. Review status: criteria provided, single submitter. Criteria: ACMG Guidelines, 2015. Collection method: clinical testing. Allele origin: germline.

NM_001277115.2(DNAH11):c.4734G>C (p.Met1578Ile)

Gene: DNAH11 (dynein axonemal heavy chain 11; plus strand). Cytogenetic location: 7p15.3.
Variant type: single nucleotide variant.
Coding change: c.4734G>C on transcript NM_001277115.2 (MANE Select); coding-DNA position 4734, G replaced by C.
Protein change: p.Met1578Ile; replaces methionine 1578 with isoleucine.
Molecular consequence: missense variant.
Genome position (GRCh38, 1-based): chr7:21,637,619, G>C. VCF-style: chr7-21637619-G-C. GRCh37 (hg19) VCF-style: chr7-21677237-G-C.
Other names: short protein forms M1578I.
Identifiers: ClinVar variation 410828 (VCV000410828.20), dbSNP rs202009583, ClinGen allele CA4180152.